The following is an entry in ClinVar:

ClinVar aggregate classification (germline): Uncertain significance (1 of 4 stars; one submission).

Conditions:
Spastic paraplegia. Identifiers: MedGen C0037772, HP:0001258.

Allele frequency attached by ClinVar (database versions not stated): gnomAD exomes below 0.00001.
gnomAD v4.1: 2 of 1,613,992 alleles (0.00012%); highest among the groups gnomAD compares: Admixed American, 0.0033%; no homozygotes.

Submission:

Labcorp Genetics (formerly Invitae), Labcorp
Classification: Uncertain significance for Spastic paraplegia. Last evaluated: 2019-04-18. Review status: criteria provided, single submitter. Criteria: Invitae Variant Classification Sherloc (09022015). Collection method: clinical testing. Allele origin: germline.
Comment: This sequence change replaces threonine with serine at codon 723 of the AP4E1 protein (p.Thr723Ser). The threonine residue is moderately conserved and there is a small physicochemical difference between threonine and serine. This variant is not present in population databases (ExAC no frequency). This variant has not been reported in the literature in individuals with AP4E1-related conditions. Algorithms developed to predict the effect of missense changes on protein structure and function (SIFT, PolyPhen-2, Align-GVGD) all suggest that this variant is likely to be tolerated, but these predictions have not been confirmed by published functional studies and their clinical significance is uncertain. In summary, the available evidence is currently insufficient to determine the role of this variant in disease. Therefore, it has been classified as a Variant of Uncertain Significance.

NM_007347.5(AP4E1):c.2167A>T (p.Thr723Ser)

Gene: AP4E1 (adaptor related protein complex 4 subunit epsilon 1; plus strand). Cytogenetic location: 15q21.2.
Variant type: single nucleotide variant.
Coding change: c.2167A>T on transcript NM_007347.5 (MANE Select); coding-DNA position 2167, A replaced by T.
Protein change: p.Thr723Ser; replaces threonine 723 with serine.
Molecular consequence: missense variant.
Genome position (GRCh38, 1-based): chr15:50,993,446, A>T. VCF-style: chr15-50993446-A-T. GRCh37 (hg19) VCF-style: chr15-51285643-A-T.
Other names: c.1942A>T, p.Thr648Ser (NM_001252127.2); short protein forms T648S, T723S.
Identifiers: ClinVar variation 861079 (VCV000861079.9), dbSNP rs1180824125, ClinGen allele CA392419358.